The following is an entry in ClinVar:

NM_177550.5(SLC13A5):c.1627G>T (p.Ala543Ser)

Gene: SLC13A5 (solute carrier family 13 member 5; minus strand). Cytogenetic location: 17p13.1.
Variant type: single nucleotide variant.
Coding change: c.1627G>T on transcript NM_177550.5 (MANE Select); coding-DNA position 1627, G replaced by T.
Protein change: p.Ala543Ser; replaces alanine 543 with serine.
Molecular consequence: missense variant.
Genome position (GRCh38, 1-based): chr17:6,686,287, C>A on the plus strand (G>T on the coding strand, the complement: SLC13A5 is on the minus strand). VCF-style: chr17-6686287-C-A. GRCh37 (hg19) VCF-style: chr17-6589606-C-A.
Other names: c.1489G>T, p.Ala497Ser (NM_001143838.3); c.1576G>T, p.Ala526Ser (NM_001284509.2); c.1498G>T, p.Ala500Ser (NM_001284510.2); short protein forms A497S, A500S, A526S, A543S.
Identifiers: ClinVar variation 1305840 (VCV001305840.2), dbSNP rs2150960826, ClinGen allele CA397737044.
Genomic context (GRCh38, chr17:6,686,287, plus strand): 5'-CATTAGCCCAGTCAGGGAAATGATCCAAGTCAAATATGGCCCGTCCCCAGGTGTTGACAG[C>A]CAAAAACACACAGAAGACTCCAATTATGTTCATTATGACTCCTGTTTTCACCTGGAAAAG-3'
Protein context (NP_808218.1, residues 533-553): NIIGVFCVFL[Ala543Ser]VNTWGRAIFD

ClinVar aggregate classification (germline): Uncertain significance (1 of 4 stars; one submission).

Submission:

GeneDx
Classification: Uncertain significance. Last evaluated: 2019-05-09. Review status: criteria provided, single submitter. Criteria: GeneDx Variant Classification Process June 2021. Collection method: clinical testing. Allele origin: germline. Affected: yes.
Comment: Not observed in large population cohorts (Lek et al., 2016); In silico analysis, which includes protein predictors and evolutionary conservation, supports that this variant does not alter protein structure/function; Has not been previously published as pathogenic or benign to our knowledge